The following is an entry in ClinVar:

NM_016120.4(RLIM):c.388C>A (p.Pro130Thr)

Gene: RLIM (ring finger protein, LIM domain interacting; minus strand). Cytogenetic location: Xq13.2.
Variant type: single nucleotide variant.
Coding change: c.388C>A on transcript NM_016120.4 (MANE Select); coding-DNA position 388, C replaced by A.
Protein change: p.Pro130Thr; replaces proline 130 with threonine.
Molecular consequence: missense variant.
Genome position (GRCh38, 1-based): chrX:74,592,927, G>T on the plus strand (C>A on the coding strand, the complement: RLIM is on the minus strand). VCF-style: chrX-74592927-G-T. GRCh37 (hg19) VCF-style: chrX-73812762-G-T.
Other names: c.388C>A, p.Pro130Thr (NM_183353.3); short protein forms P130T.
Identifiers: ClinVar variation 1208784 (VCV001208784.4), dbSNP rs2147372852, ClinGen allele CA413662492.

ClinVar aggregate classification (germline): Uncertain significance (1 of 4 stars; one submission).

Allele frequency attached by ClinVar (database versions not stated): gnomAD exomes below 0.00001.
gnomAD v4.1: 1 of 1,211,342 alleles (0.000083%); highest among the groups gnomAD compares: Non-Finnish European, 0.00011%; no homozygotes.

Submission:

GeneDx
Classification: Uncertain significance. Last evaluated: 2023-04-10. Review status: criteria provided, single submitter. Criteria: GeneDx Variant Classification Process June 2021. Collection method: clinical testing. Allele origin: germline. Affected: yes.
Comment: Not observed in large population cohorts (gnomAD); In silico analysis supports that this missense variant has a deleterious effect on protein structure/function; Has not been previously published as pathogenic or benign to our knowledge